The following is an entry in ClinVar:

ClinVar aggregate classification (germline): Uncertain significance (1 of 4 stars; one submission).

Submission:

Dasa
Classification: Uncertain significance. Last evaluated: 2026-07-24. Review status: criteria provided, single submitter. Criteria: DASA Assertion Criteria. Collection method: clinical testing. Allele origin: germline.
Comment: NM_001375524.1(TRRAP):c.9157G>A (p.Ala3053Thr) is a missense variant that results in the substitution of alanine with threonine. This variant is rare in population databases. Computational prediction algorithms are consistent with a deleterious effect. The currently available literature and clinical evidence are not sufficient to establish a definitive association between this variant and the reported condition. Therefore, this variant is classified as a variant of uncertain significance.

NM_001375524.1(TRRAP):c.9157G>A (p.Ala3053Thr)

Gene: TRRAP (transformation/transcription domain associated protein; plus strand). Cytogenetic location: 7q22.1.
Variant type: single nucleotide variant.
Coding change: c.9157G>A on transcript NM_001375524.1 (MANE Select); coding-DNA position 9157, G replaced by A.
Protein change: p.Ala3053Thr; replaces alanine 3053 with threonine.
Molecular consequence: missense variant.
Genome position (GRCh38, 1-based): chr7:98,984,227, G>A. VCF-style: chr7-98984227-G-A. GRCh37 (hg19) VCF-style: chr7-98581850-G-A.
Other names: c.9169G>A, p.Ala3057Thr (NM_001244580.2); c.9082G>A, p.Ala3028Thr (NM_003496.4); short protein forms A3028T, A3053T, A3057T.
Identifiers: ClinVar variation 5020137 (VCV005020137.1).